The following is an entry in ClinVar:

ClinVar aggregate classification (germline): Benign/Likely benign. Review status: criteria provided, multiple submitters, no conflicts (2 of 4 stars). 13 submissions from 13 submitters: Benign (9); Likely benign (1). 3 of the submissions do not count toward it. Last evaluated 2026-02-04.

Conditions:
Muscular dystrophy-dystroglycanopathy (congenital with impaired intellectual development), type B, 1. Also called: MUSCULAR DYSTROPHY, CONGENITAL, POMT1-RELATED; Muscular dystrophy-dystroglycanopathy (congenital with intellectual disability), type B1. Identifiers: MedGen C5436962, MONDO:0013159, OMIM 613155.
Autosomal recessive limb-girdle muscular dystrophy type 2K. Also called: MUSCULAR DYSTROPHY, LIMB-GIRDLE, TYPE 2K; MUSCULAR DYSTROPHY-DYSTROGLYCANOPATHY (LIMB-GIRDLE), TYPE C, 1. Identifiers: Orphanet 86812, MedGen C1836373, MONDO:0012248, OMIM 609308.
Walker-Warburg congenital muscular dystrophy. Also called: Muscular dystrophy-dystroglycanopathy, type A; Walker-Warburg syndrome. Identifiers: Orphanet 899, MedGen C0265221, MONDO:0000171.

Allele frequency attached by ClinVar (database versions not stated): 1000 Genomes Project 0.00998; 1000 Genomes Project 30x 0.01046; TOPMed 0.01973; gnomAD 0.02169 and 0.02208; ExAC 0.02229; gnomAD exomes 0.02278 and 0.02916; ESP Exome Variant Server 0.02384.
gnomAD v4.1: 45,629 of 1,612,506 alleles (2.8%); highest among the groups gnomAD compares: Non-Finnish European, 3.2%; 773 homozygotes.

Submissions (13):

Labcorp Genetics (formerly Invitae), Labcorp
Classification: Benign for Muscular dystrophy-dystroglycanopathy (congenital with impaired intellectual development), type B, 1; Walker-Warburg congenital muscular dystrophy; Autosomal recessive limb-girdle muscular dystrophy type 2K. Last evaluated: 2026-02-04. Review status: criteria provided, single submitter. Criteria: Invitae Variant Classification Sherloc (09022015). Collection method: clinical testing. Allele origin: germline.

Blueprint Genetics
Classification: Likely benign. Last evaluated: 2024-11-27. Review status: criteria provided, single submitter. Criteria: ACMG Guidelines, 2015. Collection method: clinical testing. Allele origin: germline.

Mayo Clinic Laboratories, Mayo Clinic
Classification: Benign. Last evaluated: 2019-02-19. Review status: criteria provided, single submitter. Criteria: ACMG Guidelines, 2015. Collection method: clinical testing. Allele origin: germline. Observed: 60 variant alleles.

Athena Diagnostics
Classification: Benign. Last evaluated: 2017-08-28. Review status: criteria provided, single submitter. Criteria: Athena Diagnostics Criteria. Collection method: clinical testing. Allele origin: germline.

Illumina Laboratory Services, Illumina
Classification: Benign for Autosomal recessive limb-girdle muscular dystrophy type 2K. Last evaluated: 2017-04-27. Review status: criteria provided, single submitter. Criteria: ICSL Variant Classification Criteria 13 December 2019. Collection method: clinical testing. Allele origin: germline.
Comment: This variant was observed as part of a predisposition screen in an ostensibly healthy population. A literature search was performed for the gene, cDNA change, and amino acid change (where applicable). Publications were found based on this search. The evidence from the literature, in combination with allele frequency data from public databases where available, was sufficient to rule this variant out of causing disease. Therefore, this variant is classified as benign.

Laboratory for Molecular Medicine, Mass General Brigham Personalized Medicine
Classification: Benign. Last evaluated: 2015-01-13. Review status: criteria provided, single submitter. Criteria: LMM Criteria. Collection method: clinical testing. Allele origin: germline. Observed: 2 variant alleles.
Comment: p.Arg586Arg in exon 17 of POMT1: This variant is not expected to have clinical s ignificance because it does not alter an amino acid residue and is not located w ithin the splice consensus sequence. It has been identified in 3.4% (291/8600) o f European American chromosomes by the NHLBI Exome Sequencing Project (s.; dbSNP rs34954751).

GeneDx
Classification: Benign. Last evaluated: 2014-03-21. Review status: criteria provided, single submitter. Criteria: GeneDx Variant Classification (06012015). Collection method: clinical testing. Allele origin: germline. Affected: yes.
Comment: This variant is considered likely benign or benign based on one or more of the following criteria: it is a conservative change, it occurs at a poorly conserved position in the protein, it is predicted to be benign by multiple in silico algorithms, and/or has population frequency not consistent with disease.

Genetic Services Laboratory, University of Chicago
Classification: Benign for AllHighlyPenetrant. Last evaluated: 2013-08-15. Review status: criteria provided, single submitter. Criteria: ACMG Guidelines, 2007. Collection method: clinical testing. Allele origin: germline. Inheritance: Autosomal recessive inheritance.

Breakthrough Genomics
Classification: Benign. Review status: criteria provided, single submitter. Criteria: ACMG Guidelines, 2015. Collection method: not provided. Allele origin: germline. Inheritance: Autosomal recessive inheritance. Affected: yes.

PreventionGenetics, part of Exact Sciences
Classification: Benign. Review status: criteria provided, single submitter. Criteria: ACMG Guidelines, 2015. Collection method: clinical testing. Allele origin: germline.

Clinical Genetics DNA and cytogenetics Diagnostics Lab, Erasmus MC, Erasmus Medical Center
Classification: Likely benign. Review status: no assertion criteria provided. Collection method: clinical testing. Allele origin: germline. Affected: yes. Study: VKGL Data-share Consensus. Not counted in ClinVar's aggregate classification.

Clinical Genetics, Academic Medical Center
Classification: Benign. Review status: no assertion criteria provided. Collection method: clinical testing. Allele origin: germline. Affected: yes. Study: VKGL Data-share Consensus. Not counted in ClinVar's aggregate classification.

Laboratory of Diagnostic Genome Analysis, Leiden University Medical Center (LUMC)
Classification: Benign. Review status: no assertion criteria provided. Collection method: clinical testing. Allele origin: germline. Affected: yes. Study: VKGL Data-share Consensus. Not counted in ClinVar's aggregate classification.

Literature cited by the submitters: PubMed 16575835 (cited by Athena Diagnostics and Illumina Laboratory Services, Illumina); PubMed 15637732 (cited by Athena Diagnostics and Illumina Laboratory Services, Illumina); PubMed 21102627 (cited by Illumina Laboratory Services, Illumina).

NM_001077365.2(POMT1):c.1692G>A (p.Arg564=)

Gene: POMT1 (protein O-mannosyltransferase 1; plus strand). Cytogenetic location: 9q34.13.
Variant type: single nucleotide variant.
Coding change: c.1692G>A on transcript NM_001077365.2 (MANE Select); coding-DNA position 1692, G replaced by A.
Protein change: p.Arg564=; no amino-acid change (arginine 564 retained).
Molecular consequence: synonymous variant. On other transcripts: non-coding transcript variant (10).
Genome position (GRCh38, 1-based): chr9:131,520,187, G>A. VCF-style: chr9-131520187-G-A. GRCh37 (hg19) VCF-style: chr9-134395574-G-A.
Other names: p.R586R:AGG>AGA; p.Arg586=; c.1530G>A, p.Arg510= (NM_001077366.2, NM_001353194.2); c.1692G>A, p.Arg564= (NM_001136113.2); c.1341G>A, p.Arg447= (NM_001136114.2, NM_001353195.2, NM_001374691.1 and 2 more transcripts); c.1758G>A, p.Arg586= (NM_001353193.2, NM_007171.4); c.1602G>A, p.Arg534= (NM_001353196.2); c.1596G>A, p.Arg532= (NM_001353197.2, NM_001353198.2); and 5 more.
Identifiers: ClinVar variation 130008 (VCV000130008.31), dbSNP rs34954751, ClinGen allele CA154749.